The following is an entry in ClinVar:

NM_005476.7(GNE):c.*2056C>T

Gene: GNE (glucosamine (UDP-N-acetyl)-2-epimerase/N-acetylmannosamine kinase; minus strand). Cytogenetic location: 9p13.3.
Variant type: single nucleotide variant.
Coding change: c.*2056C>T on transcript NM_005476.7 (MANE Select); 2056 bases downstream of the stop codon, C replaced by T.
Molecular consequence: 3 prime UTR variant.
Genome position (GRCh38, 1-based): chr9:36,215,309, G>A on the plus strand (C>T on the coding strand, the complement: GNE is on the minus strand). VCF-style: chr9-36215309-G-A. GRCh37 (hg19) VCF-style: chr9-36215306-G-A.
Other names: c.*2056C>T (NM_001128227.3, NM_001190383.3, NM_001190384.3 and 3 more transcripts).
Identifiers: ClinVar variation 366809 (VCV000366809.6), dbSNP rs183641957, ClinGen allele CA10630060.

ClinVar aggregate classification (germline): Benign (1 of 4 stars; one submission).

Conditions:
Sialuria. Also called: SIALURIA, FRENCH TYPE; Sialic Acid Storage Disease. Identifiers: Orphanet 3166, MedGen C0342853, MONDO:0010028, OMIM 269921.

Allele frequency attached by ClinVar (database versions not stated): gnomAD 0.00160 and 0.00176; TOPMed 0.00313; 1000 Genomes Project 0.00499; 1000 Genomes Project 30x 0.00500.

Submission:

Illumina Laboratory Services, Illumina
Classification: Benign for Sialuria. Last evaluated: 2018-01-13. Review status: criteria provided, single submitter. Criteria: ICSL Variant Classification Criteria 13 December 2019. Collection method: clinical testing. Allele origin: germline.
Comment: This variant was observed in the ICSL laboratory as part of a predisposition screen in an ostensibly healthy population. It had not been previously curated by ICSL or reported in the Human Gene Mutation Database (HGMD: prior to June 1st, 2018), and was therefore a candidate for classification through an automated scoring system. Utilizing variant allele frequency, disease prevalence and penetrance estimates, and inheritance mode, an automated score was calculated to assess if this variant is too frequent to cause the disease. Based on the score and internal cut-off values, a variant classified as benign is not then subjected to further curation. The score for this variant resulted in a classification of benign for this disease.